The following is an entry in ClinVar:

NM_001848.3(COL6A1):c.3058_3061del (p.Thr1020fs)

Gene: COL6A1 (collagen type VI alpha 1 chain; plus strand). Cytogenetic location: 21q22.3.
Variant type: Deletion.
Coding change: c.3058_3061del on transcript NM_001848.3 (MANE Select); coding-DNA positions 3058 to 3061, 4 bases deleted (ACAG; older notation c.3058_3061delACAG).
Protein change: p.Thr1020fs; shifts the reading frame from threonine 1020.
Molecular consequence: frameshift variant.
Genome position (GRCh38, 1-based): chr21:46,003,984-46,003,987, ACAG deleted; deleting any 4 consecutive bases within chr21:46,003,981-46,003,987 gives the same sequence; the c. name uses the placement nearest the transcript's 3' end. VCF-style (leftmost placement, unchanged base first): chr21-46003980-CCAGA-C. GRCh37 (hg19) VCF-style: chr21-47423894-CCAGA-C.
Other names: short protein forms T1020fs.
Identifiers: ClinVar variation 1400537 (VCV001400537.9), dbSNP rs766289958, ClinGen allele CA10071119.

ClinVar aggregate classification (germline): Uncertain significance (1 of 4 stars; one submission).

Conditions:
Bethlem myopathy 1A. Also called: Bethlem myopathy 1; Bethlem Muscular Dystrophy; MYOPATHY, BENIGN CONGENITAL, WITH CONTRACTURES. Identifiers: Orphanet 610, MedGen CN029274, MONDO:0024530, OMIM 158810.

Submission:

Labcorp Genetics (formerly Invitae), Labcorp
Classification: Uncertain significance for Bethlem myopathy 1A. Last evaluated: 2025-02-17. Review status: criteria provided, single submitter. Criteria: Invitae Variant Classification Sherloc (09022015). Collection method: clinical testing. Allele origin: germline.
Comment: This sequence change results in a frameshift in the COL6A1 gene (p.Thr1020Serfs*28). While this is not anticipated to result in nonsense mediated decay, it is expected to disrupt the last 9 amino acid(s) of the COL6A1 protein and extend the protein by 18 additional amino acid residues. This variant is present in population databases (rs766289958, gnomAD 0.003%). This frameshift has been observed in individual(s) with clinical features of Type VI/skeletal muscle collagenopathy (internal data). ClinVar contains an entry for this variant (Variation ID: 1400537). Experimental studies and prediction algorithms are not available or were not evaluated, and the functional significance of this variant is currently unknown. In summary, the available evidence is currently insufficient to determine the role of this variant in disease. Therefore, it has been classified as a Variant of Uncertain Significance.